The following is an entry in ClinVar:

ClinVar aggregate classification (germline): Likely pathogenic. Review status: criteria provided, multiple submitters, no conflicts (2 of 4 stars). 2 submissions from 2 submitters: Likely pathogenic (2). Last evaluated 2019-05-28.

Conditions:
Inborn genetic diseases. Identifiers: MedGen C0950123, MeSH D030342.
Deafness dystonia syndrome (MTS). Also called: DYSTONIA-DEAFNESS SYNDROME, X-LINKED; Opticoacustic nerve atrophy with dementia; Nerve deafness optic nerve atrophy, and dementia; Syndrome of opticoacoustic nerve atrophy with dementia; Deafness-Dystonia-Optic Neuronopathy Syndrome; OPTICOACOUSTIC NERVE ATROPHY WITH DEMENTIA. Identifiers: Orphanet 52368, MedGen C0796074, MONDO:0010578, OMIM 304700.

Submissions (2):

Mendelics
Classification: Likely pathogenic for Deafness dystonia syndrome. Last evaluated: 2019-05-28. Review status: criteria provided, single submitter. Criteria: Mendelics Assertion Criteria 2017. Collection method: clinical testing. Allele origin: unknown.

Ambry Genetics
Classification: Likely pathogenic for Inborn genetic diseases. Last evaluated: 2016-04-11. Review status: criteria provided, single submitter. Criteria: Ambry Variant Classification Scheme 2023. Collection method: clinical testing. Allele origin: germline.
Comment: The p.C43R variant (also known as c.127T>C), located in coding exon 1 of the TIMM8A gene, results from a T to C substitution at nucleotide position 127. The cysteine at codon 43 is replaced by arginine, an amino acid with highly dissimilar properties. This variant disrupts a known motif that is conserved across both orthologues and paralogues and has been shown to be crucial to proper protein function. This variant was not reported in population based cohorts in the following databases: Database of Single Nucleotide Polymorphisms (dbSNP), NHLBI Exome Sequencing Project (ESP), and 1000 Genomes Project. In the ESP, this variant was not observed in 6503 samples with coverage at this position. This amino acid position is highly conserved in available vertebrate species. In addition, this alteration is predicted to be deleterious by in silico analysis. Based on the majority of available evidence to date, this variant is likely to be pathogenic.

NM_004085.4(TIMM8A):c.127T>C (p.Cys43Arg)

Gene: TIMM8A (translocase of inner mitochondrial membrane 8A; minus strand). Cytogenetic location: Xq22.1.
Variant type: single nucleotide variant.
Coding change: c.127T>C on transcript NM_004085.4 (MANE Select); coding-DNA position 127, T replaced by C.
Protein change: p.Cys43Arg; replaces cysteine 43 with arginine.
Molecular consequence: missense variant.
Genome position (GRCh38, 1-based): chrX:101,348,538, A>G on the plus strand (T>C on the coding strand, the complement: TIMM8A is on the minus strand). VCF-style: chrX-101348538-A-G. GRCh37 (hg19) VCF-style: chrX-100603526-A-G.
Other names: c.127T>C, p.Cys43Arg (NM_001145951.2); short protein forms C43R.
Identifiers: ClinVar variation 804062 (VCV000804062.3), dbSNP rs1602996815, ClinGen allele CA413915239.